The following is an entry in ClinVar:

ClinVar aggregate classification (germline): Uncertain significance (1 of 4 stars; one submission).

Submission:

GeneDx
Classification: Uncertain significance. Last evaluated: 2023-11-20. Review status: criteria provided, single submitter. Criteria: GeneDx Variant Classification Process June 2021. Collection method: clinical testing. Allele origin: germline.
Comment: Not observed at significant frequency in large population cohorts (gnomAD); Has not been previously published as pathogenic or benign to our knowledge; Frameshift variant predicted to result in abnormal protein length as the last 1050 amino acids are replaced with 3 different amino acids in a gene for which loss-of-function is not an established mechanism of disease

NM_001377229.1(DISP1):c.1423_1424del (p.Trp475fs)

Gene: DISP1 (dispatched RND transporter family member 1; plus strand). Cytogenetic location: 1q41.
Variant type: Deletion.
Coding change: c.1423_1424del on transcript NM_001377229.1 (MANE Select); coding-DNA positions 1423 to 1424, 2 bases deleted (TG; older notation c.1423_1424delTG).
Protein change: p.Trp475fs; shifts the reading frame from tryptophan 475.
Molecular consequence: frameshift variant.
Genome position (GRCh38, 1-based): chr1:223,002,820-223,002,821, TG deleted. VCF-style (leftmost placement, unchanged base first): chr1-223002819-CTG-C. GRCh37 (hg19) VCF-style: chr1-223176161-CTG-C.
Other names: c.694_695del, p.Trp232fs (NM_001350630.2); c.1423_1424del, p.Trp475fs (NM_001369594.1, NM_001377228.1, NM_032890.5); short protein forms W232fs, W475fs.
Identifiers: ClinVar variation 4891416 (VCV004891416.1).